The following is an entry in ClinVar:

ClinVar aggregate classification (germline): Benign/Likely benign. Review status: criteria provided, multiple submitters, no conflicts (2 of 4 stars). 3 submissions from 3 submitters: Benign (1); Likely benign (2). Last evaluated 2025-08-01.

Conditions:
Hereditary cancer-predisposing syndrome. Also called: Hereditary neoplastic syndrome; Tumor predisposition; Neoplastic Syndromes, Hereditary; Hereditary Cancer Syndrome. Identifiers: Orphanet 140162, MedGen C0027672, MeSH D009386, MONDO:0015356.
Familial thoracic aortic aneurysm and aortic dissection (TAAD). Also called: Thoracic aortic aneurysms and dissections. Identifiers: Orphanet 91387, MedGen C4707243, MONDO:0019625.
Juvenile polyposis syndrome (JPS). Identifiers: Orphanet 2929, MedGen C0345893, MONDO:0017380, OMIM 174900.
Juvenile polyposis/hereditary hemorrhagic telangiectasia syndrome (JPHT). Also called: Juvenile Polyposis Syndrome / Hereditary Hemorrhagic Telangiectasia (JPS/HHT); JP/HHT SYNDROME; JUVENILE POLYPOSIS WITH HEREDITARY HEMORRHAGIC TELANGIECTASIA; POLYPOSIS, GENERALIZED JUVENILE, WITH PULMONARY ARTERIOVENOUS MALFORMATION; TELANGIECTASIA, HEREDITARY HEMORRHAGIC, WITH JUVENILE POLYPOSIS COLI. Identifiers: Orphanet 2929, MedGen C1832942, MONDO:0008278, OMIM 175050.

Allele frequency attached by ClinVar (database versions not stated): gnomAD exomes below 0.00001.
gnomAD v4.1: 1 of 1,611,972 alleles (0.000062%); highest among the groups gnomAD compares: Non-Finnish European, 0.000085%; no homozygotes.

Submissions (3):

Labcorp Genetics (formerly Invitae), Labcorp
Classification: Likely benign for Juvenile polyposis syndrome. Last evaluated: 2025-08-01. Review status: criteria provided, single submitter. Criteria: Invitae Variant Classification Sherloc (09022015). Collection method: clinical testing. Allele origin: germline.

Myriad Genetics, Inc.
Classification: Benign for Juvenile polyposis/hereditary hemorrhagic telangiectasia syndrome. Last evaluated: 2025-03-20. Review status: criteria provided, single submitter. Criteria: Myriad Autosomal Dominant, Autosomal Recessive and X-Linked Classification Criteria (2023). Collection method: clinical testing. Allele origin: unknown.
Comment: This variant is considered benign. This variant is a silent/synonymous amino acid change and it is not expected to impact splicing.

Ambry Genetics
Classification: Likely benign for Hereditary cancer-predisposing syndrome; Familial thoracic aortic aneurysm and aortic dissection. Last evaluated: 2016-12-19. Review status: criteria provided, single submitter. Criteria: Ambry Variant Classification Scheme 2023. Collection method: clinical testing. Allele origin: germline.

NM_005359.6(SMAD4):c.939C>T (p.Pro313=)

Gene: SMAD4 (SMAD family member 4; plus strand). Cytogenetic location: 18q21.2.
Variant type: single nucleotide variant.
Coding change: c.939C>T on transcript NM_005359.6 (MANE Select); coding-DNA position 939, C replaced by T.
Protein change: p.Pro313=; no amino-acid change (proline 313 retained).
Molecular consequence: synonymous variant.
Genome position (GRCh38, 1-based): chr18:51,059,900, C>T. VCF-style: chr18-51059900-C-T. GRCh37 (hg19) VCF-style: chr18-48586270-C-T.
Identifiers: ClinVar variation 486452 (VCV000486452.16), dbSNP rs1305282354, ClinGen allele CA503873935.